The following is an entry in ClinVar:

ClinVar aggregate classification (germline): Uncertain significance (1 of 4 stars; one submission).

Conditions:
KINSSHIP syndrome. Also called: MESOMELIC DYSPLASIA, STEICHEN-GERSDORF TYPE; MESOMELIC DYSPLASIA, AFF3-RELATED. Identifiers: MedGen C5543317, MONDO:0851095, OMIM 619297.

Submission:

Juno Genomics, Hangzhou Juno Genomics, Inc
Classification: Uncertain significance for KINSSHIP syndrome. Review status: criteria provided, single submitter. Criteria: ACMG Guidelines, 2015. Collection method: clinical testing. Allele origin: germline.
Comment: Absent from controls (or at extremely low frequency if recessive) in Genome Aggregation Database.;Multiple lines of computational evidence support a deleterious effect on the gene or gene product.

NM_001386135.1(AFF3):c.2989A>G (p.Lys997Glu)

Gene: AFF3 (ALF transcription elongation factor 3; minus strand). Cytogenetic location: 2q11.2.
Variant type: single nucleotide variant.
Coding change: c.2989A>G on transcript NM_001386135.1 (MANE Select); coding-DNA position 2989, A replaced by G.
Protein change: p.Lys997Glu; replaces lysine 997 with glutamic acid.
Molecular consequence: missense variant.
Genome position (GRCh38, 1-based): chr2:99,565,617, T>C on the plus strand (A>G on the coding strand, the complement: AFF3 is on the minus strand). VCF-style: chr2-99565617-T-C. GRCh37 (hg19) VCF-style: chr2-100182079-T-C.
Other names: c.2989A>G, p.Lys997Glu (NM_002285.3); c.3064A>G, p.Lys1022Glu (NM_001025108.2); short protein forms K1022E, K997E.
Identifiers: ClinVar variation 5019366 (VCV005019366.2).